The following is an entry in ClinVar:

ClinVar aggregate classification (germline): Uncertain significance (1 of 4 stars; one submission).

Allele frequency attached by ClinVar (database versions not stated): gnomAD exomes below 0.00001.
gnomAD v4.1: 4 of 1,603,252 alleles (0.00025%); highest among the groups gnomAD compares: African/African-American, 0.0013%; no homozygotes.

Submission:

Labcorp Genetics (formerly Invitae), Labcorp
Classification: Uncertain significance. Last evaluated: 2022-07-12. Review status: criteria provided, single submitter. Criteria: Invitae Variant Classification Sherloc (09022015). Collection method: clinical testing. Allele origin: germline.
Comment: This sequence change replaces lysine, which is basic and polar, with glutamic acid, which is acidic and polar, at codon 5 of the DEF6 protein (p.Lys5Glu). This variant is present in population databases (no rsID available, gnomAD 0.006%). This variant has not been reported in the literature in individuals affected with DEF6-related conditions. ClinVar contains an entry for this variant (Variation ID: 1486452). Algorithms developed to predict the effect of missense changes on protein structure and function (SIFT, PolyPhen-2, Align-GVGD) all suggest that this variant is likely to be tolerated. In summary, the available evidence is currently insufficient to determine the role of this variant in disease. Therefore, it has been classified as a Variant of Uncertain Significance.

NM_022047.4(DEF6):c.13A>G (p.Lys5Glu)

Gene: DEF6 (DEF6 guanine nucleotide exchange factor; plus strand). Cytogenetic location: 6p21.31.
Variant type: single nucleotide variant.
Coding change: c.13A>G on transcript NM_022047.4 (MANE Select); coding-DNA position 13, A replaced by G.
Protein change: p.Lys5Glu; replaces lysine 5 with glutamic acid.
Molecular consequence: missense variant.
Genome position (GRCh38, 1-based): chr6:35,297,869, A>G. VCF-style: chr6-35297869-A-G. GRCh37 (hg19) VCF-style: chr6-35265646-A-G.
Other names: short protein forms K5E.
Identifiers: ClinVar variation 1486452 (VCV001486452.7), dbSNP rs1178378287, ClinGen allele CA363759557.